The following is an entry in ClinVar:

NM_004817.4(TJP2):c.2880+15G>T

Gene: TJP2 (tight junction protein 2; plus strand). Cytogenetic location: 9q21.11.
Variant type: single nucleotide variant.
Coding change: c.2880+15G>T on transcript NM_004817.4 (MANE Select); 15 bases into the intron after coding-DNA position 2880, G replaced by T.
Molecular consequence: intron variant.
Genome position (GRCh38, 1-based): chr9:69,248,239, G>T. VCF-style: chr9-69248239-G-T. GRCh37 (hg19) VCF-style: chr9-71863155-G-T.
Other names: c.2880+15G>T (NM_004817.3, NM_201629.3, NM_001369872.1); c.2811+15G>T (NM_001170414.2, NM_001369871.1); c.2805+15G>T (NM_001369870.1); c.2667+1449G>T (NM_001369873.1); c.2892+15G>T (NM_001170415.1, NM_001369875.1, NM_001369874.1); c.2973+15G>T (NM_001170416.2).
Identifiers: ClinVar variation 1991912 (VCV001991912.6), dbSNP rs1440961588, ClinGen allele CA373538690.

ClinVar aggregate classification (germline): Likely benign. Review status: criteria provided, single submitter (1 of 4 stars). 2 submissions from 2 submitters: Likely benign (1). 1 of the submissions does not count toward it. Last evaluated 2022-05-12.

Conditions:
TJP2-related disorder. Also called: TJP2-related condition.

Allele frequency attached by ClinVar (database versions not stated): gnomAD exomes 0.00001.
gnomAD v4.1: 20 of 1,574,740 alleles (0.0013%); highest among the groups gnomAD compares: Admixed American, 0.0037%; no homozygotes.

Submissions (2):

Labcorp Genetics (formerly Invitae), Labcorp
Classification: Likely benign. Last evaluated: 2022-05-12. Review status: criteria provided, single submitter. Criteria: Invitae Variant Classification Sherloc (09022015). Collection method: clinical testing. Allele origin: germline.

PreventionGenetics, part of Exact Sciences
Classification: Likely benign for TJP2-related condition. Last evaluated: 2021-06-18. Review status: no assertion criteria provided. Collection method: clinical testing. Allele origin: germline. Not counted in ClinVar's aggregate classification.
Comment: This variant is classified as likely benign based on ACMG/AMP sequence variant interpretation guidelines (Richards et al. 2015 PMID: 25741868, with internal and published modifications).